The following is an entry in ClinVar:

NM_000458.4(HNF1B):c.1119_1147del (p.Met374fs)

Gene: HNF1B (HNF1 homeobox B; minus strand). Cytogenetic location: 17q12.
Variant type: Deletion.
Coding change: c.1119_1147del on transcript NM_000458.4 (MANE Select); coding-DNA positions 1119 to 1147, 29 bases deleted (CATGGTGACCAGCCAGTCGGTTTTACAGC).
Protein change: p.Met374fs; shifts the reading frame from methionine 374.
Molecular consequence: frameshift variant.
Genome position (GRCh38, 1-based): chr17:37,710,562-37,710,590, GCTGTAAAACCGACTGGCTGGTCACCATG deleted on the plus strand (CATGGTGACCAGCCAGTCGGTTTTACAGC on the coding strand, the reverse complement: HNF1B is on the minus strand); deleting any 29 consecutive bases within chr17:37,710,562-37,710,592 gives the same sequence; the c. name uses the placement nearest the transcript's 3' end. VCF-style (leftmost placement, unchanged base first): chr17-37710561-TGCTGTAAAACCGACTGGCTGGTCACCATG-T. GRCh37 (hg19) VCF-style: chr17-36070569-TGCTGTAAAACCGACTGGCTGGTCACCATG-T.
Other names: c.1041_1069del, p.Met348fs (NM_001165923.4, NM_001304286.2); short protein forms M374fs, M348fs.
Identifiers: ClinVar variation 635602 (VCV000635602.2), dbSNP rs1598815016, ClinGen allele CA913190758.

ClinVar aggregate classification (germline): Pathogenic/Likely risk allele. Review status: criteria provided, multiple submitters, no conflicts (2 of 4 stars). 2 submissions from 2 submitters: Pathogenic (1); Likely risk allele (1). Last evaluated 2019-07-06.

Conditions:
Maturity-onset diabetes of the young (MODY). Also called: Maturity onset diabetes mellitus in young. Identifiers: Orphanet 552, MedGen C0342276, MONDO:0018911, HP:0004904.
Renal cysts and diabetes syndrome (RCAD). Also called: Familial hypoplastic, glomerulocystic kidney; MATURITY-ONSET DIABETES OF THE YOUNG, TYPE 5. Identifiers: Orphanet 93111, MedGen C0431693, MONDO:0007669, OMIM 137920.

Submissions (2):

Institute of Human Genetics, FAU Erlangen, Friedrich-Alexander-Universität Erlangen-Nürnberg
Classification: Pathogenic for Renal cysts and diabetes syndrome. Last evaluated: 2019-07-06. Review status: criteria provided, single submitter. Criteria: ACMG Guidelines, 2015. Collection method: literature only. Allele origin: germline. Affected: yes.
Comment: This variant and it's classification has been reported by Vasileiou et al. 2019; DOI:10.1101/576918. The variants has previously been reported in PMID:20633866; PMID:16133182 as "A373fsdel29/N p.Ala373fs c.1118_1147del29" with clinical significance Pathogenic. It has been re-classified using InterVar and manual curation as Pathogenic based on PVS1 PM2 PP3.

Clinical Genomics, Uppaluri K&H Personalized Medicine Clinic
Classification: Likely risk allele for Maturity-onset diabetes of the young. Review status: criteria provided, single submitter. Criteria: K & H Uppaluri Personalized Medicine Clinic Variant Classification & Assertion Criteria_Updated V.1. Collection method: research. Allele origin: unknown. Inheritance: Autosomal dominant inheritance.
Comment: HNF1B gene mutations are associated with early onset diabetes and pancreatic atrophy. It is also associated with multiple renal manifestations including renal cysts, Tubulointerstitial disease, glomerulocystic disease, renal hypoplasia, hypomagnesemia. However no sufficient evidence is found to ascertain the role of this particular variant rs1598815016, yet.

Literature cited by the submitters: PubMed 20633866 (cited by Institute of Human Genetics, FAU Erlangen, Friedrich-Alexander-Universität Erlangen-Nürnberg); PubMed 16133182 (cited by Institute of Human Genetics, FAU Erlangen, Friedrich-Alexander-Universität Erlangen-Nürnberg); DOI 10.1101/576918 (cited by Institute of Human Genetics, FAU Erlangen, Friedrich-Alexander-Universität Erlangen-Nürnberg); PubMed 24897035 (cited by Clinical Genomics, Uppaluri K&H Personalized Medicine Clinic); PubMed 25536396 (cited by Clinical Genomics, Uppaluri K&H Personalized Medicine Clinic); PubMed 27615128 (cited by Clinical Genomics, Uppaluri K&H Personalized Medicine Clinic); PubMed 28215227 (cited by Clinical Genomics, Uppaluri K&H Personalized Medicine Clinic); PubMed 33434175 (cited by Clinical Genomics, Uppaluri K&H Personalized Medicine Clinic); PubMed 25741167 (cited by Clinical Genomics, Uppaluri K&H Personalized Medicine Clinic); PubMed 26340261 (cited by Clinical Genomics, Uppaluri K&H Personalized Medicine Clinic); PubMed 19639018 (cited by Clinical Genomics, Uppaluri K&H Personalized Medicine Clinic).